The following is an entry in ClinVar:

ClinVar aggregate classification (germline): Uncertain significance (1 of 4 stars; one submission).

Conditions:
Hereditary pancreatitis (PCTT). Also called: Hereditary chronic pancreatitis; PRSS1-Related Hereditary Pancreatitis. Identifiers: Orphanet 676, MedGen C0238339, MONDO:0008185, OMIM 167800.

Submission:

Ambry Genetics
Classification: Uncertain significance for Hereditary pancreatitis. Last evaluated: 2025-07-18. Review status: criteria provided, single submitter. Criteria: Ambry Variant Classification Scheme 2023. Collection method: clinical testing. Allele origin: germline.
Comment: The p.M109I variant (also known as c.327G>A), located in coding exon 3 of the PRSS1 gene, results from a G to A substitution at nucleotide position 327. The methionine at codon 109 is replaced by isoleucine, an amino acid with highly similar properties. This amino acid position is conserved. In addition, the in silico prediction for this alteration is inconclusive. Based on the available evidence, the clinical significance of this variant remains unclear.

NM_002769.5(PRSS1):c.327G>A (p.Met109Ile)

Genes: PRSS1 (serine protease 1; plus strand), TRB (T cell receptor beta locus; plus strand). Cytogenetic location: 7q34.
Variant type: single nucleotide variant.
Coding change: c.327G>A on transcript NM_002769.5 (MANE Select); coding-DNA position 327, G replaced by A.
Protein change: p.Met109Ile; replaces methionine 109 with isoleucine.
Molecular consequence: missense variant. On other transcripts: non-coding transcript variant (4).
Genome position (GRCh38, 1-based): chr7:142,751,900, G>A. VCF-style: chr7-142751900-G-A. GRCh37 (hg19) VCF-style: chr7-142459751-G-A.
Other names: short protein forms M109I.
Identifiers: ClinVar variation 4145700 (VCV004145700.1).
Genomic context (GRCh38, chr7:142,751,900, plus strand): 5'-TGCAGCCAAGATCATCCGCCACCCCCAATACGACAGGAAGACTCTGAACAATGACATCAT[G>A]TTAATCAAGCTCTCCTCACGTGCAGTAATCAACGCCCGCGTGTCCACCATCTCTCTGCCC-3'
Protein context (NP_002760.1, residues 99-119): YDRKTLNNDI[Met109Ile]LIKLSSRAVI